The following is an entry in ClinVar:

ClinVar aggregate classification (germline): Benign (1 of 4 stars; one submission).

Submission:

CeGaT Center for Human Genetics Tuebingen
Classification: Benign. Last evaluated: 2023-01-01. Review status: criteria provided, single submitter. Criteria: CeGaT Center For Human Genetics Tuebingen Variant Classification Criteria Version 2. Collection method: clinical testing. Allele origin: germline. Affected: yes. Observed: 5 variant alleles.
Comment: SHANK2: BS1, BS2

NM_012309.5(SHANK2):c.*1533dup

Gene: SHANK2 (SH3 and multiple ankyrin repeat domains 2; minus strand). Cytogenetic location: 11q13.3.
Variant type: Duplication.
Coding change: c.*1533dup on transcript NM_012309.5 (MANE Select); 1533 bases downstream of the stop codon, one base duplicated (T; older notation c.*1533dupT).
Molecular consequence: 3 prime UTR variant. On other transcripts: non-coding transcript variant (1).
Genome position (GRCh38, 1-based): chr11:70,471,336, A duplicated on the plus strand (T on the coding strand, the reverse complement: SHANK2 is on the minus strand); the first of 5 consecutive A bases (chr11:70,471,336-70,471,340); duplicating any one gives the same sequence. VCF-style (leftmost placement, unchanged base first): chr11-70471335-C-CA. GRCh37 (hg19) VCF-style: chr11-70317440-C-CA.
Other names: c.*1533dup (NM_001379226.1, NM_133266.5).
Identifiers: ClinVar variation 305892 (VCV000305892.29), dbSNP rs575407872, ClinGen allele CA223591383.